The following is an entry in ClinVar:

ClinVar aggregate classification (germline): Likely benign. Review status: criteria provided, multiple submitters, no conflicts (2 of 4 stars). 2 submissions from 2 submitters: Likely benign (2). Last evaluated 2026-06-01.

gnomAD v4.1: 667 of 1,598,170 alleles (0.042%); highest among the groups gnomAD compares: East Asian, 0.85%; 5 homozygotes.

Submissions (2):

CeGaT Center for Human Genetics Tuebingen
Classification: Likely benign. Last evaluated: 2026-06-01. Review status: criteria provided, single submitter. Criteria: CeGaT Center For Human Genetics Tuebingen Variant Classification Criteria Version 2. Collection method: clinical testing. Allele origin: germline. Affected: yes. Observed: 1 variant allele.
Comment: KIF26A: BP4, BP7

Blueprint Genetics
Classification: Likely benign. Last evaluated: 2024-11-20. Review status: criteria provided, single submitter. Criteria: ACMG Guidelines, 2015. Collection method: clinical testing. Allele origin: germline.

NM_015656.2(KIF26A):c.1716G>A (p.Thr572=)

Gene: KIF26A (kinesin family member 26A; plus strand). Cytogenetic location: 14q32.33.
Variant type: single nucleotide variant.
Coding change: c.1716G>A on transcript NM_015656.2 (MANE Select); coding-DNA position 1716, G replaced by A.
Protein change: p.Thr572=; no amino-acid change (threonine 572 retained).
Molecular consequence: synonymous variant.
Genome position (GRCh38, 1-based): chr14:104,173,362, G>A. VCF-style: chr14-104173362-G-A. GRCh37 (hg19) VCF-style: chr14-104639699-G-A.
Identifiers: ClinVar variation 4873232 (VCV004873232.3).